The following is an entry in ClinVar:

ClinVar aggregate classification (germline): Uncertain significance (1 of 4 stars; one submission).

Conditions:
Inborn genetic diseases. Identifiers: MedGen C0950123, MeSH D030342.

gnomAD v4.1: 14 of 1,447,234 alleles (0.00097%); highest among the groups gnomAD compares: Non-Finnish European, 0.0013%; no homozygotes.

Submission:

Ambry Genetics
Classification: Uncertain significance for Inborn genetic diseases. Last evaluated: 2025-03-15. Review status: criteria provided, single submitter. Criteria: Ambry Variant Classification Scheme 2023. Collection method: clinical testing. Allele origin: germline.
Comment: The p.P97L variant (also known as c.290C>T), located in coding exon 1 of the SH2B3 gene, results from a C to T substitution at nucleotide position 290. The proline at codon 97 is replaced by leucine, an amino acid with similar properties. This amino acid position is conserved. In addition, this alteration is predicted to be tolerated by in silico analysis. Based on the available evidence, the clinical significance of this variant remains unclear.

NM_005475.3(SH2B3):c.290C>T (p.Pro97Leu)

Gene: SH2B3 (SH2B adaptor protein 3; plus strand). Cytogenetic location: 12q24.12.
Variant type: single nucleotide variant.
Coding change: c.290C>T on transcript NM_005475.3 (MANE Select); coding-DNA position 290, C replaced by T.
Protein change: p.Pro97Leu; replaces proline 97 with leucine.
Molecular consequence: missense variant.
Genome position (GRCh38, 1-based): chr12:111,418,435, C>T. VCF-style: chr12-111418435-C-T. GRCh37 (hg19) VCF-style: chr12-111856239-C-T.
Other names: short protein forms P97L.
Identifiers: ClinVar variation 3953354 (VCV003953354.1).